The following is an entry in ClinVar:

ClinVar aggregate classification (germline): Uncertain significance (1 of 4 stars; one submission).

Allele frequency attached by ClinVar (database versions not stated): gnomAD exomes 0.00001 and 0.00002; gnomAD 0.00003 and 0.00004; TOPMed 0.00004; ExAC 0.00005.
gnomAD v4.1: 24 of 1,612,528 alleles (0.0015%); highest among the groups gnomAD compares: African/African-American, 0.0067%; no homozygotes.

Submission:

Labcorp Genetics (formerly Invitae), Labcorp
Classification: Uncertain significance. Last evaluated: 2022-05-29. Review status: criteria provided, single submitter. Criteria: Invitae Variant Classification Sherloc (09022015). Collection method: clinical testing. Allele origin: germline.
Comment: This sequence change replaces alanine, which is neutral and non-polar, with threonine, which is neutral and polar, at codon 653 of the SAMD11 protein (p.Ala653Thr). In summary, the available evidence is currently insufficient to determine the role of this variant in disease. Therefore, it has been classified as a Variant of Uncertain Significance. Algorithms developed to predict the effect of missense changes on protein structure and function output the following: SIFT: "Tolerated"; PolyPhen-2: "Benign"; Align-GVGD: "Class C0". The threonine amino acid residue is found in multiple mammalian species, which suggests that this missense change does not adversely affect protein function. ClinVar contains an entry for this variant (Variation ID: 1372413). This variant has not been reported in the literature in individuals affected with SAMD11-related conditions. This variant is present in population databases (rs758965779, gnomAD 0.009%).

NM_001385641.1(SAMD11):c.2446G>A (p.Ala816Thr)

Gene: SAMD11 (sterile alpha motif domain containing 11; plus strand). Cytogenetic location: 1p36.33.
Variant type: single nucleotide variant.
Coding change: c.2446G>A on transcript NM_001385641.1 (MANE Select); coding-DNA position 2446, G replaced by A.
Protein change: p.Ala816Thr; replaces alanine 816 with threonine.
Molecular consequence: missense variant.
Genome position (GRCh38, 1-based): chr1:944,064, G>A. VCF-style: chr1-944064-G-A. GRCh37 (hg19) VCF-style: chr1-879444-G-A.
Other names: c.2449G>A, p.Ala817Thr (NM_001385640.1); c.1957G>A, p.Ala653Thr (NM_152486.4); short protein forms A817T, A653T, A816T.
Identifiers: ClinVar variation 1372413 (VCV001372413.4), dbSNP rs758965779, ClinGen allele CA503419.
Genomic context (GRCh38, chr1:944,064, plus strand): 5'-GGCACAGGAGAGCAGCCCTTGTCCCCCACGACGGCCACGTCCCCCTATGGAGGGGGCCAC[G>A]CCCTTGCCGGTCAAACTTCACCCAAGCAGGAGAATGGGACCTTGGCTCTACTTCCAGGGG-3'
Protein context (NP_001372570.1, residues 806-826): TATSPYGGGH[Ala816Thr]LAGQTSPKQE